The following is an entry in ClinVar:

NM_001286577.2(C2CD3):c.642C>A (p.Asp214Glu)

Gene: C2CD3 (C2 domain containing 3 centriole elongation regulator; minus strand). Cytogenetic location: 11q13.4.
Variant type: single nucleotide variant.
Coding change: c.642C>A on transcript NM_001286577.2 (MANE Select); coding-DNA position 642, C replaced by A.
Protein change: p.Asp214Glu; replaces aspartic acid 214 with glutamic acid.
Molecular consequence: missense variant.
Genome position (GRCh38, 1-based): chr11:74,139,670, G>T on the plus strand (C>A on the coding strand, the complement: C2CD3 is on the minus strand). VCF-style: chr11-74139670-G-T. GRCh37 (hg19) VCF-style: chr11-73850715-G-T.
Other names: c.642C>A, p.Asp214Glu (NM_015531.6); short protein forms D214E.
Identifiers: ClinVar variation 1995244 (VCV001995244.4), dbSNP rs1957981741, ClinGen allele CA381817593.
Genomic context (GRCh38, chr11:74,139,670, plus strand): 5'-AGTGGTTGATCTACTGCTGTTGGCTGCTAACTCTTTTCCATCAATTTTGATGGTATGTAT[G>T]TCGCGAGGCCTTGATGGAACCTGAAACTGGGTACTGCTGGGTTCAGTATTCTCTCTGAAT-3'
Protein context (NP_001273506.1, residues 204-224): TQFQVPSRPR[Asp214Glu]IHTIKIDGKE

ClinVar aggregate classification (germline): Uncertain significance (1 of 4 stars; one submission).

Allele frequency attached by ClinVar (database versions not stated): gnomAD exomes 0.00001.
gnomAD v4.1: 5 of 1,613,948 alleles (0.00031%); highest among the groups gnomAD compares: South Asian, 0.0044%; no homozygotes.

Submission:

Labcorp Genetics (formerly Invitae), Labcorp
Classification: Uncertain significance. Last evaluated: 2025-03-17. Review status: criteria provided, single submitter. Criteria: Invitae Variant Classification Sherloc (09022015). Collection method: clinical testing. Allele origin: germline.
Comment: This sequence change replaces aspartic acid, which is acidic and polar, with glutamic acid, which is acidic and polar, at codon 214 of the C2CD3 protein (p.Asp214Glu). This variant is not present in population databases (gnomAD no frequency). This variant has not been reported in the literature in individuals affected with C2CD3-related conditions. ClinVar contains an entry for this variant (Variation ID: 1995244). Invitae Evidence Modeling of protein sequence and biophysical properties (such as structural, functional, and spatial information, amino acid conservation, physicochemical variation, residue mobility, and thermodynamic stability) indicates that this missense variant is not expected to disrupt C2CD3 protein function with a negative predictive value of 80%. In summary, the available evidence is currently insufficient to determine the role of this variant in disease. Therefore, it has been classified as a Variant of Uncertain Significance.